The following is an entry in ClinVar:

NM_001369.3(DNAH5):c.1206T>A (p.Asn402Lys)

Gene: DNAH5 (dynein axonemal heavy chain 5; minus strand). Cytogenetic location: 5p15.2.
Variant type: single nucleotide variant.
Coding change: c.1206T>A on transcript NM_001369.3 (MANE Select); coding-DNA position 1206, T replaced by A.
Protein change: p.Asn402Lys; replaces asparagine 402 with lysine.
Molecular consequence: missense variant.
Genome position (GRCh38, 1-based): chr5:13,914,634, A>T on the plus strand (T>A on the coding strand, the complement: DNAH5 is on the minus strand). VCF-style: chr5-13914634-A-T. GRCh37 (hg19) VCF-style: chr5-13914743-A-T.
Other names: short protein forms N402K.
Identifiers: ClinVar variation 188080 (VCV000188080.77), dbSNP rs140782270, ClinGen allele CA239195.

ClinVar aggregate classification (germline): Conflicting classifications of pathogenicity. Review status: criteria provided, conflicting classifications (1 of 4 stars). 16 submissions from 16 submitters: Uncertain significance (7); Benign (1); Likely benign (4). 4 of the submissions do not count toward it. Last evaluated 2026-09-11.

Conditions:
DNAH5-related disorder. Also called: DNAH5-related condition.
Primary ciliary dyskinesia. Also called: Ciliary dyskinesia. Identifiers: Orphanet 244, MedGen C0008780, MONDO:0016575, HP:0012265.
Primary ciliary dyskinesia 3. Identifiers: Orphanet 244, MedGen C1837618, MONDO:0012085, OMIM 608644.

Allele frequency attached by ClinVar (database versions not stated): 1000 Genomes Project 0.00140; 1000 Genomes Project 30x 0.00156; gnomAD 0.00158 and 0.00162; ESP Exome Variant Server 0.00185; TOPMed 0.00199.
gnomAD v4.1: 3,731 of 1,612,854 alleles (0.23%); highest among the groups gnomAD compares: Middle Eastern, 0.9%; 9 homozygotes.

Submissions (16):

GeneDx
Classification: Uncertain significance. Last evaluated: 2026-09-11. Review status: criteria provided, single submitter. Criteria: GeneDx Variant Classification Process June 2021. Collection method: clinical testing. Allele origin: germline.
Comment: Identified in patients in published literature with primary ciliary dyskinesia who harbored another DNAH5 variant but it is not known whether the variants occurred on the same (in cis) or on different (in trans) chromosomes (PMID: 30300419, 41948467); Identified in a patient in published literature with primary ciliary dyskinesia who harbored another DNAH5 variant on the opposite allele (in trans), but was also reported to harbor another DNAH5 variant on the same allele (in cis) with p.(N402K) as well (Hong T. Lin et al. (2021) J Pediatr Genet.); In silico analysis supports that this missense variant has a deleterious effect on protein structure/function; This variant is associated with the following publications: (PMID: 40183288, 38021525, Hong2021[Article], 37575649, 30300419, 41948467, 40182617, 39045318)

Labcorp Genetics (formerly Invitae), Labcorp
Classification: Likely benign for Primary ciliary dyskinesia. Last evaluated: 2026-02-01. Review status: criteria provided, single submitter. Criteria: Invitae Variant Classification Sherloc (09022015). Collection method: clinical testing. Allele origin: germline.

CeGaT Center for Human Genetics Tuebingen
Classification: Likely benign. Last evaluated: 2025-12-01. Review status: criteria provided, single submitter. Criteria: CeGaT Center For Human Genetics Tuebingen Variant Classification Criteria Version 2. Collection method: clinical testing. Allele origin: germline. Affected: yes. Observed: 9 variant alleles.
Comment: DNAH5: BS2

PreventionGenetics, part of Exact Sciences
Classification: Likely benign for DNAH5-related condition. Last evaluated: 2025-01-16. Review status: criteria provided, single submitter. Criteria: ACMG Guidelines, 2015. Collection method: clinical testing. Allele origin: germline.
Comment: This variant is classified as likely benign based on ACMG/AMP sequence variant interpretation guidelines (Richards et al. 2015 PMID: 25741868, with internal and published modifications).

Blueprint Genetics
Classification: Likely benign. Last evaluated: 2024-11-21. Review status: criteria provided, single submitter. Criteria: ACMG Guidelines, 2015. Collection method: clinical testing. Allele origin: germline.

Fulgent Genetics
Classification: Uncertain significance for Primary ciliary dyskinesia 3. Last evaluated: 2024-06-04. Review status: criteria provided, single submitter. Criteria: ACMG Guidelines, 2015. Collection method: clinical testing. Allele origin: germline.

Ambry Genetics
Classification: Benign for Primary ciliary dyskinesia. Last evaluated: 2024-04-28. Review status: criteria provided, single submitter. Criteria: Ambry Variant Classification Scheme 2023. Collection method: clinical testing. Allele origin: germline.

Mayo Clinic Laboratories, Mayo Clinic
Classification: Uncertain significance. Last evaluated: 2023-10-31. Review status: criteria provided, single submitter. Criteria: ACMG Guidelines, 2015. Collection method: clinical testing. Allele origin: germline. Observed: 1 variant allele.

Genome-Nilou Lab
Classification: Uncertain significance for Primary ciliary dyskinesia 3. Last evaluated: 2021-05-18. Review status: criteria provided, single submitter. Criteria: ACMG Guidelines, 2015. Collection method: clinical testing. Allele origin: germline. Affected: no.

Illumina Laboratory Services, Illumina
Classification: Uncertain significance for Primary ciliary dyskinesia 3. Last evaluated: 2018-01-13. Review status: criteria provided, single submitter. Criteria: ICSL Variant Classification Criteria 13 December 2019. Collection method: clinical testing. Allele origin: germline.

Laboratory for Molecular Medicine, Mass General Brigham Personalized Medicine
Classification: Uncertain significance. Last evaluated: 2015-02-24. Review status: criteria provided, single submitter. Criteria: LMM Criteria. Collection method: clinical testing. Allele origin: germline. Observed: 1 variant allele.
Comment: Variant classified as Uncertain Significance - Favor Benign. The p.Asn402Lys var iant in DNAH5 was identified in 1 heterozygous individual with primary ciliary d yskinesia (Cozzolino 2009). It has also been identified in 0.23% (153/66670) of European chromosomes by the Exome Aggregation Consortium (ExAC; dbSNP rs140782270). Computational prediction tools and conservat ion analysis do not provide strong support for or against an impact to the prote in. In summary, while the clinical significance of the p.Asn402Lys variant is un certain, its frequency suggests that it is more likely to be benign.

Eurofins Ntd Llc (ga)
Classification: Uncertain significance. Last evaluated: 2014-12-23. Review status: criteria provided, single submitter. Criteria: EGL Classification Definitions 2015. Collection method: clinical testing. Allele origin: germline. Observed: 3 variant alleles, 3 heterozygotes.

Natera, Inc.
Classification: Likely benign for Primary ciliary dyskinesia. Last evaluated: 2020-01-08. Review status: no assertion criteria provided. Collection method: clinical testing. Allele origin: germline. Not counted in ClinVar's aggregate classification.

Counsyl
Classification: Uncertain significance for Primary ciliary dyskinesia 3. Last evaluated: 2017-03-16. Review status: no assertion criteria provided. Collection method: clinical testing. Allele origin: unknown. Not counted in ClinVar's aggregate classification.

Clinical Genetics DNA and cytogenetics Diagnostics Lab, Erasmus MC, Erasmus Medical Center
Classification: Likely benign. Review status: no assertion criteria provided. Collection method: clinical testing. Allele origin: germline. Affected: yes. Study: VKGL Data-share Consensus. Not counted in ClinVar's aggregate classification.

Laboratory of Diagnostic Genome Analysis, Leiden University Medical Center (LUMC)
Classification: Likely benign. Review status: no assertion criteria provided. Collection method: clinical testing. Allele origin: germline. Affected: yes. Study: VKGL Data-share Consensus. Not counted in ClinVar's aggregate classification.

Literature cited by the submitters: PubMed 30300419 (cited by Mayo Clinic Laboratories, Mayo Clinic).